The following is an entry in ClinVar:

NC_000011.9:g.(?_88924350)_(88961158_?)del

Gene: TYR (tyrosinase; plus strand). Cytogenetic location: 11q14.3.
Variant type: Deletion.
Identifiers: ClinVar variation 3244731 (VCV003244731.1).

ClinVar aggregate classification (germline): Pathogenic (1 of 4 stars; one submission).

Submission:

Labcorp Genetics (formerly Invitae), Labcorp
Classification: Pathogenic. Last evaluated: 2023-03-04. Review status: criteria provided, single submitter. Criteria: Invitae Variant Classification Sherloc (09022015). Collection method: clinical testing. Allele origin: unknown.
Comment: For these reasons, this variant has been classified as Pathogenic. A similar copy number variant has been observed in individual(s) with clinical features of ocular albinism (PMID: 31229681). This variant is a gross deletion of the genomic region encompassing exon(s) 2-3 of the TYR gene. This deletion is out-of-frame, and is expected to create a premature termination codon and result in an absent or disrupted protein product. Loss-of-function variants in TYR are known to be pathogenic (PMID: 23504663).

Literature cited by the submitters: PubMed 31229681; PubMed 23504663.